The following is an entry in ClinVar:

ClinVar aggregate classification (germline): Pathogenic (1 of 4 stars; one submission).

Conditions:
Nemaline myopathy 2 (NEM2). Also called: Nemaline myopathy 2, autosomal recessive. Identifiers: MedGen C1850569, MONDO:0009725, OMIM 256030.

Submission:

Labcorp Genetics (formerly Invitae), Labcorp
Classification: Pathogenic for Nemaline myopathy 2. Last evaluated: 2022-03-06. Review status: criteria provided, single submitter. Criteria: Invitae Variant Classification Sherloc (09022015). Collection method: clinical testing. Allele origin: germline.
Comment: Algorithms developed to predict the effect of sequence changes on RNA splicing suggest that this variant may disrupt the consensus splice site. This variant has not been reported in the literature in individuals affected with NEB-related conditions. This variant is not present in population databases (gnomAD no frequency). This sequence change creates a premature translational stop signal (p.Tyr8014*) in the NEB gene. It is expected to result in an absent or disrupted protein product. Loss-of-function variants in NEB are known to be pathogenic (PMID: 25205138). For these reasons, this variant has been classified as Pathogenic.

Literature cited by the submitters: PubMed 25205138.

NM_001164508.2(NEB):c.23937C>A (p.Tyr7979Ter)

Genes: NEB (nebulin; minus strand), RIF1 (replication timing regulatory factor 1; plus strand). Cytogenetic location: 2q23.3.
Variant type: single nucleotide variant.
Coding change: c.23937C>A on transcript NM_001164508.2 (MANE Select); coding-DNA position 23937, C replaced by A.
Protein change: p.Tyr7979Ter; replaces tyrosine 7979 with a stop codon.
Molecular consequence: nonsense. On other transcripts: intron variant (1).
Genome position (GRCh38, 1-based): chr2:151,501,475, G>T on the plus strand (C>A on the coding strand, the complement: NEB is on the minus strand). VCF-style: chr2-151501475-G-T. GRCh37 (hg19) VCF-style: chr2-152357989-G-T.
Other names: c.23937C>A, p.Tyr7979Ter (NM_001164507.2); c.24042C>A, p.Tyr8014Ter (NM_001271208.2); c.18825+1318C>A (NM_004543.5); short protein forms Y8014*, Y7979*.
Identifiers: ClinVar variation 2107244 (VCV002107244.4), dbSNP rs779173742, ClinGen allele CA348780745.
Genomic context (GRCh38, chr2:151,501,475, plus strand): 5'-TTTGACTCGCTCCATCTCAGGAGTGACAGGTAGGGGAGTCCCCTTGCTCAAGTTCTCTTT[G>T]TACAATATCTGTGTGCACAAAACCAACAAACAAATCAACCTGGACCCATCATTTTTTAGG-3'